The following is an entry in ClinVar:

NM_000168.6(GLI3):c.1878del (p.Lys626fs)

Gene: GLI3 (GLI family zinc finger 3; minus strand). Cytogenetic location: 7p14.1.
Variant type: Deletion.
Coding change: c.1878del on transcript NM_000168.6 (MANE Select); coding-DNA position 1878, one base deleted (A; older notation c.1878delA).
Protein change: p.Lys626fs; shifts the reading frame from lysine 626.
Molecular consequence: frameshift variant.
Genome position (GRCh38, 1-based): chr7:41,972,562, T deleted on the plus strand (A on the coding strand, the reverse complement: GLI3 is on the minus strand); the first of 3 consecutive T bases (chr7:41,972,562-41,972,564); deleting any one gives the same sequence. VCF-style (leftmost placement, unchanged base first): chr7-41972561-GT-G. GRCh37 (hg19) VCF-style: chr7-42012160-GT-G.
Other names: short protein forms K626fs.
Identifiers: ClinVar variation 459207 (VCV000459207.8), dbSNP rs1554306093, ClinGen allele CA658657670.

ClinVar aggregate classification (germline): Pathogenic (1 of 4 stars; one submission).

Conditions:
Pallister-Hall syndrome (PHS). Also called: HYPOTHALAMIC HAMARTOBLASTOMA, HYPOPITUITARISM, IMPERFORATE ANUS, AND POSTAXIAL POLYDACTYLY; GLI3-Related Pallister-Hall Syndrome. Identifiers: Orphanet 672, MedGen C0265220, MONDO:0007804, OMIM 146510.
Greig cephalopolysyndactyly syndrome (GCPS). Also called: POLYSYNDACTYLY WITH PECULIAR SKULL SHAPE; GLI3-Related Greig Cephalopolysyndactyly Syndrome; Greig syndrome. Identifiers: Orphanet 380, MedGen C0265306, MONDO:0008287, OMIM 175700.

Submission:

Labcorp Genetics (formerly Invitae), Labcorp
Classification: Pathogenic for Pallister-Hall syndrome; Greig cephalopolysyndactyly syndrome. Last evaluated: 2016-07-07. Review status: criteria provided, single submitter. Criteria: Invitae Variant Classification Sherloc (09022015). Collection method: clinical testing. Allele origin: germline.
Comment: For these reasons, this variant has been classified as Pathogenic. While this particular variant has not been reported in the literature, truncating variants in GLI3 are known to be pathogenic (PMID: 15739154). This sequence change deletes 1 nucleotide from exon 13 of the GLI3 mRNA (c.1878delA), causing a frameshift at codon 626. This creates a premature translational stop signal (p.Lys626Asnfs*3) and is expected to result in an absent or disrupted protein product.

Literature cited by the submitters: PubMed 15739154.